The following is an entry in ClinVar:

ClinVar aggregate classification (germline): Benign/Likely benign. Review status: criteria provided, multiple submitters, no conflicts (2 of 4 stars). 4 submissions from 4 submitters: Benign (1); Likely benign (2). 1 of the submissions does not count toward it. Last evaluated 2026-07-01.

Conditions:
DOCK6-related disorder. Also called: DOCK6-related condition.

Allele frequency attached by ClinVar (database versions not stated): TOPMed 0.00106; ESP Exome Variant Server 0.00115; 1000 Genomes Project 0.00180; 1000 Genomes Project 30x 0.00234.
gnomAD v4.1: 1,701 of 1,607,602 alleles (0.11%); highest among the groups gnomAD compares: Middle Eastern, 1.7%; 5 homozygotes.

Submissions (4):

CeGaT Center for Human Genetics Tuebingen
Classification: Likely benign. Last evaluated: 2026-07-01. Review status: criteria provided, single submitter. Criteria: CeGaT Center For Human Genetics Tuebingen Variant Classification Criteria Version 2. Collection method: clinical testing. Allele origin: germline. Affected: yes. Observed: 14 variant alleles.
Comment: DOCK6: BP4, BP7

Labcorp Genetics (formerly Invitae), Labcorp
Classification: Benign. Last evaluated: 2026-01-28. Review status: criteria provided, single submitter. Criteria: Invitae Variant Classification Sherloc (09022015). Collection method: clinical testing. Allele origin: germline.

Blueprint Genetics
Classification: Likely benign. Last evaluated: 2024-11-23. Review status: criteria provided, single submitter. Criteria: ACMG Guidelines, 2015. Collection method: clinical testing. Allele origin: germline.

PreventionGenetics, part of Exact Sciences
Classification: Likely benign for DOCK6-related condition. Last evaluated: 2021-02-10. Review status: no assertion criteria provided. Collection method: clinical testing. Allele origin: germline. Not counted in ClinVar's aggregate classification.
Comment: This variant is classified as likely benign based on ACMG/AMP sequence variant interpretation guidelines (Richards et al. 2015 PMID: 25741868, with internal and published modifications).

NM_020812.4(DOCK6):c.906G>C (p.Ser302=)

Gene: DOCK6 (dedicator of cytokinesis 6; minus strand). Cytogenetic location: 19p13.2.
Variant type: single nucleotide variant.
Coding change: c.906G>C on transcript NM_020812.4 (MANE Select); coding-DNA position 906, G replaced by C.
Protein change: p.Ser302=; no amino-acid change (serine 302 retained).
Molecular consequence: synonymous variant.
Genome position (GRCh38, 1-based): chr19:11,245,680, C>G on the plus strand (G>C on the coding strand, the complement: DOCK6 is on the minus strand). VCF-style: chr19-11245680-C-G. GRCh37 (hg19) VCF-style: chr19-11356356-C-G.
Other names: c.906G>C, p.Ser302= (NM_001367830.1).
Identifiers: ClinVar variation 444447 (VCV000444447.54), dbSNP rs79202547, ClinGen allele CA9208294.